The following is an entry in ClinVar:

NM_001754.5(RUNX1):c.190G>T (p.Gly64Cys)

Gene: RUNX1 (RUNX family transcription factor 1; minus strand). Cytogenetic location: 21q22.12.
Variant type: single nucleotide variant.
Coding change: c.190G>T on transcript NM_001754.5 (MANE Select); coding-DNA position 190, G replaced by T.
Protein change: p.Gly64Cys; replaces glycine 64 with cysteine.
Molecular consequence: missense variant.
Genome position (GRCh38, 1-based): chr21:34,887,004, C>A on the plus strand (G>T on the coding strand, the complement: RUNX1 is on the minus strand). VCF-style: chr21-34887004-C-A. GRCh37 (hg19) VCF-style: chr21-36259301-C-A.
Other names: c.109G>T, p.Gly37Cys (NM_001001890.3, NM_001122607.2); short protein forms G37C, G64C.
Identifiers: ClinVar variation 4629694 (VCV004629694.1).

ClinVar aggregate classification (germline): Uncertain significance (1 of 4 stars; one submission).

Conditions:
Inborn genetic diseases. Identifiers: MedGen C0950123, MeSH D030342.

Submission:

Ambry Genetics
Classification: Uncertain significance for Inborn genetic diseases. Last evaluated: 2025-10-01. Review status: criteria provided, single submitter. Criteria: Ambry Variant Classification Scheme 2023. Collection method: clinical testing. Allele origin: germline.
Comment: The p.G64C variant (also known as c.190G>T), located in coding exon 3 of the RUNX1 gene, results from a G to T substitution at nucleotide position 190. The glycine at codon 64 is replaced by cysteine, an amino acid with highly dissimilar properties. This amino acid position is conserved. In addition, the in silico prediction for this alteration is inconclusive. Based on the available evidence, the clinical significance of this variant remains unclear.